The following is an entry in ClinVar:

ClinVar aggregate classification (germline): Likely benign. Review status: criteria provided, single submitter (1 of 4 stars). 2 submissions from 2 submitters: Likely benign (1). 1 of the submissions does not count toward it. Last evaluated 2025-10-21.

Conditions:
CARD8-related disorder. Also called: CARD8-related condition.

Allele frequency attached by ClinVar (database versions not stated): ExAC 0.00007; gnomAD exomes 0.00014 and 0.00022; gnomAD 0.00092 and 0.00094; TOPMed 0.00100; 1000 Genomes Project 0.00180; 1000 Genomes Project 30x 0.00203.
gnomAD v4.1: 329 of 1,535,754 alleles (0.021%); highest among the groups gnomAD compares: African/African-American, 0.35%; 2 homozygotes.

Submissions (2):

Labcorp Genetics (formerly Invitae), Labcorp
Classification: Likely benign. Last evaluated: 2025-10-21. Review status: criteria provided, single submitter. Criteria: Invitae Variant Classification Sherloc (09022015). Collection method: clinical testing. Allele origin: germline.

PreventionGenetics, part of Exact Sciences
Classification: Likely benign for CARD8-related condition. Last evaluated: 2021-06-15. Review status: no assertion criteria provided. Collection method: clinical testing. Allele origin: germline. Not counted in ClinVar's aggregate classification.
Comment: This variant is classified as likely benign based on ACMG/AMP sequence variant interpretation guidelines (Richards et al. 2015 PMID: 25741868, with internal and published modifications).

NM_001184900.3(CARD8):c.53C>T (p.Pro18Leu)

Gene: CARD8 (caspase recruitment domain family member 8; minus strand). Cytogenetic location: 19q13.33.
Variant type: single nucleotide variant.
Coding change: c.53C>T on transcript NM_001184900.3 (MANE Select); coding-DNA position 53, C replaced by T.
Protein change: p.Pro18Leu; replaces proline 18 with leucine.
Molecular consequence: missense variant. On other transcripts: 5 prime UTR variant (7), non-coding transcript variant (4).
Genome position (GRCh38, 1-based): chr19:48,240,968, G>A on the plus strand (C>T on the coding strand, the complement: CARD8 is on the minus strand). VCF-style: chr19-48240968-G-A. GRCh37 (hg19) VCF-style: chr19-48744225-G-A.
Other names: c.53C>T, p.Pro18Leu (NM_001184901.1, NM_001184902.2, NM_001184903.1 and 6 more transcripts); c.-72C>T (NM_001351784.2, NM_001351787.2, NM_001351791.2 and 2 more transcripts); c.-286C>T (NM_001351786.2); c.-150C>T (NM_001351790.2); c.53C>T (NM_001184900.1); short protein forms P18L.
Identifiers: ClinVar variation 1157147 (VCV001157147.11), dbSNP rs142119092, ClinGen allele CA9548150.